The following is an entry in ClinVar:

ClinVar aggregate classification (germline): Likely benign (1 of 4 stars; one submission).

Conditions:
BBS10-related disorder. Also called: BBS10-related condition.

Submission:

PreventionGenetics, part of Exact Sciences
Classification: Likely benign for BBS10-related condition. Last evaluated: 2026-04-27. Review status: criteria provided, single submitter. Criteria: ACMG Guidelines, 2015. Collection method: clinical testing. Allele origin: germline.
Comment: This variant is classified as likely benign based on ACMG/AMP sequence variant interpretation guidelines (Richards et al. 2015 PMID: 25741868, with internal and published modifications).

NM_024685.4(BBS10):c.1935T>C (p.Tyr645=)

Gene: BBS10 (Bardet-Biedl syndrome 10; minus strand). Cytogenetic location: 12q21.2.
Variant type: single nucleotide variant.
Coding change: c.1935T>C on transcript NM_024685.4 (MANE Select); coding-DNA position 1935, T replaced by C.
Protein change: p.Tyr645=; no amino-acid change (tyrosine 645 retained).
Molecular consequence: synonymous variant.
Genome position (GRCh38, 1-based): chr12:76,346,050, A>G on the plus strand (T>C on the coding strand, the complement: BBS10 is on the minus strand). VCF-style: chr12-76346050-A-G. GRCh37 (hg19) VCF-style: chr12-76739830-A-G.
Identifiers: ClinVar variation 4993357 (VCV004993357.1).